The following is an entry in ClinVar:

NM_003995.4(NPR2):c.953G>A (p.Arg318Gln)

Gene: NPR2 (natriuretic peptide receptor 2; plus strand). Cytogenetic location: 9p13.3.
Variant type: single nucleotide variant.
Coding change: c.953G>A on transcript NM_003995.4 (MANE Select); coding-DNA position 953, G replaced by A.
Protein change: p.Arg318Gln; replaces arginine 318 with glutamine.
Molecular consequence: missense variant.
Genome position (GRCh38, 1-based): chr9:35,799,697, G>A. VCF-style: chr9-35799697-G-A. GRCh37 (hg19) VCF-style: chr9-35799694-G-A.
Other names: c.953G>A, p.Arg318Gln (NM_001378923.1); short protein forms R318Q.
Identifiers: ClinVar variation 1000706 (VCV001000706.10), dbSNP rs144940095, ClinGen allele CA5051559.
Genomic context (GRCh38, chr9:35,799,697, plus strand): 5'-ACCGAGAACCCCCAAATCCTGAGTATCAGGAATTCCAGAATCGTCTGCTGATAAGAGCCC[G>A]GGAAGACTTTGGTGTGGAGCTGGGCCCTTCCCTGGTAAGTAGATCTCTCCCTTCCTGAGA-3'
Protein context (NP_003986.2, residues 308-328): EFQNRLLIRA[Arg318Gln]EDFGVELGPS

ClinVar aggregate classification (germline): Uncertain significance. Review status: criteria provided, multiple submitters, no conflicts (2 of 4 stars). 4 submissions from 4 submitters: Uncertain significance (4). Last evaluated 2024-11-18.

Conditions:
Acromesomelic dysplasia 1, Maroteaux type (AMD1). Also called: ACROMESOMELIC DYSPLASIA 1; ST. HELENA DYSPLASIA. Identifiers: Orphanet 40, MedGen C1864356, MONDO:0011275, OMIM 602875.
Tall stature-scoliosis-macrodactyly of the great toes syndrome. Also called: Epiphyseal chondrodysplasia, miura type. Identifiers: Orphanet 329191, MedGen C4014690, MONDO:0014401, OMIM 615923.
Short stature with nonspecific skeletal abnormalities 1 (SNSK1). Identifiers: MedGen CN379227, MONDO:0014551, OMIM 616255.

Allele frequency attached by ClinVar (database versions not stated): gnomAD exomes 0.00008 and 0.00010; ExAC 0.00009; gnomAD 0.00009; TOPMed 0.00009; ESP Exome Variant Server 0.00015.
gnomAD v4.1: 165 of 1,613,772 alleles (0.01%); highest among the groups gnomAD compares: Non-Finnish European, 0.013%; no homozygotes.

Submissions (4):

Women's Health and Genetics/Laboratory Corporation of America, LabCorp
Classification: Uncertain significance. Last evaluated: 2024-11-18. Review status: criteria provided, single submitter. Criteria: LabCorp Variant Classification Summary - May 2015. Collection method: clinical testing. Allele origin: germline.
Comment: Variant summary: NPR2 c.953G>A (p.Arg318Gln) results in a conservative amino acid change in the encoded protein sequence. Four of five in-silico tools predict a benign effect of the variant on protein function. The variant allele was found at a frequency of 8e-05 in 251494 control chromosomes. This frequency is not significantly higher than estimated for a pathogenic variant in NPR2 causing NPR2-Related Disorders, allowing no conclusion about variant significance. c.953G>A has been reported in the literature as a de novo occurrence in at-least one individual affected with idiopathic short stature (Andrade_2022). These report(s) do not provide unequivocal conclusions about association of the variant with NPR2-Related Disorders. To our knowledge, no experimental evidence demonstrating an impact on protein function has been reported. The following publication has been ascertained in the context of this evaluation (PMID: 36373817). ClinVar contains an entry for this variant (Variation ID: 1000706). Based on the evidence outlined above, the variant was classified as uncertain significance.

Labcorp Genetics (formerly Invitae), Labcorp
Classification: Uncertain significance for Tall stature-scoliosis-macrodactyly of the great toes syndrome; Acromesomelic dysplasia 1, Maroteaux type. Last evaluated: 2024-02-23. Review status: criteria provided, single submitter. Criteria: Invitae Variant Classification Sherloc (09022015). Collection method: clinical testing. Allele origin: germline.
Comment: This sequence change replaces arginine, which is basic and polar, with glutamine, which is neutral and polar, at codon 318 of the NPR2 protein (p.Arg318Gln). This variant is present in population databases (rs144940095, gnomAD 0.01%). This missense change has been observed in individual(s) with autosomal dominant short stature (PMID: 36373817). ClinVar contains an entry for this variant (Variation ID: 1000706). An algorithm developed to predict the effect of missense changes on protein structure and function (PolyPhen-2) suggests that this variant is likely to be tolerated. In summary, the available evidence is currently insufficient to determine the role of this variant in disease. Therefore, it has been classified as a Variant of Uncertain Significance.

Department of Pathology and Laboratory Medicine, Sinai Health System
Classification: Uncertain significance for Short stature with nonspecific skeletal abnormalities 1; Tall stature-scoliosis-macrodactyly of the great toes syndrome; Acromesomelic dysplasia 1, Maroteaux type. Last evaluated: 2021-12-27. Review status: criteria provided, single submitter. Criteria: ACMG Guidelines, 2015. Collection method: research. Allele origin: germline.

Breakthrough Genomics
Classification: Uncertain significance. Review status: criteria provided, single submitter. Criteria: ACMG Guidelines, 2015. Collection method: not provided. Allele origin: germline. Inheritance: Autosomal recessive inheritance. Affected: yes.

Literature cited by the submitters: PubMed 36373817 (cited by Women's Health and Genetics/Laboratory Corporation of America, LabCorp and Labcorp Genetics (formerly Invitae), Labcorp).